The following is an entry in ClinVar:

NM_001001557.4(GDF6):c.616G>A (p.Gly206Arg)

Gene: GDF6 (growth differentiation factor 6; minus strand). Cytogenetic location: 8q22.1.
Variant type: single nucleotide variant.
Coding change: c.616G>A on transcript NM_001001557.4 (MANE Select); coding-DNA position 616, G replaced by A.
Protein change: p.Gly206Arg; replaces glycine 206 with arginine.
Molecular consequence: missense variant.
Genome position (GRCh38, 1-based): chr8:96,145,315, C>T on the plus strand (G>A on the coding strand, the complement: GDF6 is on the minus strand). VCF-style: chr8-96145315-C-T. GRCh37 (hg19) VCF-style: chr8-97157543-C-T.
Other names: short protein forms G206R.
Identifiers: ClinVar variation 2046444 (VCV002046444.4), dbSNP rs901058669, ClinGen allele CA181485054.

ClinVar aggregate classification (germline): Uncertain significance (1 of 4 stars; one submission).

Conditions:
Isolated microphthalmia 4. Identifiers: Orphanet 2542, MedGen C2751307, MONDO:0013130, OMIM 613094.
Klippel-Feil syndrome 1, autosomal dominant (KFS1). Also called: CERVICAL VERTEBRAL FUSION, AUTOSOMAL DOMINANT. Identifiers: Orphanet 2345, MedGen C1861689, MONDO:0007306, OMIM 118100.
Leber congenital amaurosis 17 (LCA17). Identifiers: Orphanet 65, MedGen C3715164, MONDO:0014145, OMIM 615360.
Microphthalmia, isolated, with coloboma 6 (MCOPCB6). Also called: Microphthalmia with coloboma 6, digenic; Microphthalmia with coloboma 6; MICROPHTHALMIA/COLOBOMA 6. Identifiers: Orphanet 98938, MedGen C3150968, MONDO:0013376, OMIM 613703.

Allele frequency attached by ClinVar (database versions not stated): gnomAD exomes below 0.00001.

Submission:

Labcorp Genetics (formerly Invitae), Labcorp
Classification: Uncertain significance for Isolated microphthalmia 4; Leber congenital amaurosis 17; Klippel-Feil syndrome 1, autosomal dominant; Microphthalmia, isolated, with coloboma 6. Last evaluated: 2026-01-19. Review status: criteria provided, single submitter. Criteria: Invitae Variant Classification Sherloc (09022015). Collection method: clinical testing. Allele origin: germline.
Comment: This sequence change replaces glycine, which is neutral and non-polar, with arginine, which is basic and polar, at codon 206 of the GDF6 protein (p.Gly206Arg). This variant is not present in population databases (gnomAD no frequency). This variant has not been reported in the literature in individuals affected with GDF6-related conditions. ClinVar contains an entry for this variant (Variation ID: 2046444). Invitae Evidence Modeling of protein sequence and biophysical properties (such as structural, functional, and spatial information, amino acid conservation, physicochemical variation, residue mobility, and thermodynamic stability) indicates that this missense variant is not expected to disrupt GDF6 protein function with a negative predictive value of 80%. In summary, the available evidence is currently insufficient to determine the role of this variant in disease. Therefore, it has been classified as a Variant of Uncertain Significance.